The following is an entry in ClinVar:

ClinVar aggregate classification (germline): Uncertain significance (1 of 4 stars; one submission).

Conditions:
Glycogen storage disease type X (GSD10). Also called: MYOPATHY DUE TO PHOSPHOGLYCERATE MUTASE DEFICIENCY; PGAMM DEFICIENCY; PHOSPHOGLYCERATE MUTASE, MUSCLE, DEFICIENCY OF; GSD X; Glycogen storage disease due to phosphoglycerate mutase deficiency; Dimauro disease. Identifiers: Orphanet 97234, MedGen C0268149, MONDO:0009865, OMIM 261670.

Allele frequency attached by ClinVar (database versions not stated): gnomAD 0.00006; gnomAD exomes 0.00006 and 0.00008; ExAC 0.00009; TOPMed 0.00011; ESP Exome Variant Server 0.00015; 1000 Genomes Project 0.00020; 1000 Genomes Project 30x 0.00031.
gnomAD v4.1: 127 of 1,614,126 alleles (0.0079%); highest among the groups gnomAD compares: Non-Finnish European, 0.0094%; no homozygotes.

Submission:

Labcorp Genetics (formerly Invitae), Labcorp
Classification: Uncertain significance for Glycogen storage disease type X. Last evaluated: 2023-04-05. Review status: criteria provided, single submitter. Criteria: Invitae Variant Classification Sherloc (09022015). Collection method: clinical testing. Allele origin: germline.
Comment: This sequence change falls in intron 2 of the PGAM2 gene. It does not directly change the encoded amino acid sequence of the PGAM2 protein. In summary, the available evidence is currently insufficient to determine the role of this variant in disease. Therefore, it has been classified as a Variant of Uncertain Significance. Algorithms developed to predict the effect of sequence changes on RNA splicing suggest that this variant may create or strengthen a splice site. ClinVar contains an entry for this variant (Variation ID: 1424881). This variant has not been reported in the literature in individuals affected with PGAM2-related conditions. This variant is present in population databases (rs372222997, gnomAD 0.009%).

NM_000290.4(PGAM2):c.596-7G>A

Genes: DBNL (drebrin like; plus strand), PGAM2 (phosphoglycerate mutase 2; minus strand). Cytogenetic location: 7p13.
Variant type: single nucleotide variant.
Coding change: c.596-7G>A on transcript NM_000290.4 (MANE Select); 7 bases into the intron before coding-DNA position 596, G replaced by A.
Molecular consequence: intron variant. On other transcripts: 3 prime UTR variant (6).
Genome position (GRCh38, 1-based): chr7:44,062,937, C>T on the plus strand (G>A on the coding strand, the complement: PGAM2 is on the minus strand). VCF-style: chr7-44062937-C-T. GRCh37 (hg19) VCF-style: chr7-44102536-C-T.
Other names: c.*2021C>T (NM_001014436.3, NM_001122956.2, NM_001284313.2 and 3 more transcripts).
Identifiers: ClinVar variation 1424881 (VCV001424881.4), dbSNP rs372222997, ClinGen allele CA4236512.